The following is an entry in ClinVar:

ClinVar aggregate classification (germline): Likely benign (1 of 4 stars; one submission).

Conditions:
Familial cancer of breast. Also called: Hereditary breast cancer; BREAST CANCER, FAMILIAL; hereditary breast carcinoma. Identifiers: Orphanet 227535, MedGen C0346153, MONDO:0016419, OMIM 114480. Disease mechanism: loss of function.

Submission:

Myriad Genetics, Inc.
Classification: Likely benign for Familial cancer of breast. Last evaluated: 2024-10-08. Review status: criteria provided, single submitter. Criteria: Myriad Autosomal Dominant, Autosomal Recessive and X-Linked Classification Criteria (2023). Collection method: clinical testing. Allele origin: unknown.
Comment: This variant is considered likely benign. This variant is intronic and is not expected to impact mRNA splicing.

NM_007194.4(CHEK2):c.1462-8C>T

Gene: CHEK2 (checkpoint kinase 2; minus strand). Cytogenetic location: 22q12.1.
Variant type: single nucleotide variant.
Coding change: c.1462-8C>T on transcript NM_007194.4 (MANE Select); 8 bases into the intron before coding-DNA position 1462, C replaced by T.
Molecular consequence: intron variant.
Genome position (GRCh38, 1-based): chr22:28,689,223, G>A on the plus strand (C>T on the coding strand, the complement: CHEK2 is on the minus strand). VCF-style: chr22-28689223-G-A. GRCh37 (hg19) VCF-style: chr22-29085211-G-A.
Other names: c.1375-8C>T (NM_145862.3); c.799-8C>T (NM_001257387.3, NM_001437942.1); c.1468-8C>T (NM_001438295.1); c.1555-8C>T (NM_001438293.1); c.1504-8C>T (NM_001438294.1); c.1591-8C>T (NM_001005735.3); c.1261-8C>T (NM_001349956.3).
Identifiers: ClinVar variation 3773588 (VCV003773588.1).